The following is an entry in ClinVar:

ClinVar aggregate classification (germline): Likely benign. Review status: criteria provided, single submitter (1 of 4 stars). 2 submissions from 2 submitters: Likely benign (1). 1 of the submissions does not count toward it. Last evaluated 2022-07-18.

Conditions:
VCAN-related disorder. Also called: VCAN-related condition.

Allele frequency attached by ClinVar (database versions not stated): TOPMed 0.00001.

Submissions (2):

Labcorp Genetics (formerly Invitae), Labcorp
Classification: Likely benign. Last evaluated: 2022-07-18. Review status: criteria provided, single submitter. Criteria: Invitae Variant Classification Sherloc (09022015). Collection method: clinical testing. Allele origin: germline.

PreventionGenetics, part of Exact Sciences
Classification: Likely benign for VCAN-related condition. Last evaluated: 2021-09-19. Review status: no assertion criteria provided. Collection method: clinical testing. Allele origin: germline. Not counted in ClinVar's aggregate classification.
Comment: This variant is classified as likely benign based on ACMG/AMP sequence variant interpretation guidelines (Richards et al. 2015 PMID: 25741868, with internal and published modifications).

NM_004385.5(VCAN):c.5280T>C (p.Asn1760=)

Genes: VCAN (versican; plus strand), VCAN-AS1 (VCAN antisense RNA 1; minus strand). Cytogenetic location: 5q14.3.
Variant type: single nucleotide variant.
Coding change: c.5280T>C on transcript NM_004385.5 (MANE Select); coding-DNA position 5280, T replaced by C.
Protein change: p.Asn1760=; no amino-acid change (asparagine 1760 retained).
Molecular consequence: synonymous variant. On other transcripts: intron variant (2).
Genome position (GRCh38, 1-based): chr5:83,538,283, T>C. VCF-style: chr5-83538283-T-C. GRCh37 (hg19) VCF-style: chr5-82834102-T-C.
Other names: c.2319T>C, p.Asn773= (NM_001164097.2); c.4004-7254T>C (NM_001164098.2); c.1043-7254T>C (NM_001126336.3); c.5280T>C (NM_004385.4).
Identifiers: ClinVar variation 1637531 (VCV001637531.10), dbSNP rs1746808661, ClinGen allele CA445398832.
Genomic context (GRCh38, chr5:83,538,283, plus strand): 5'-ATATTCATCTACACAGAGATCGGATCAATTAATTTTACCCTTTGAATTAGAAAGTCCAAA[T>C]GTAGCTACATCTAGTGATTCAGGTACCAGGAAAAGTTTTATGTCCTTGACAACACCAACA-3'
Protein context (NP_004376.2, residues 1750-1770): LILPFELESP[Asn1760=]VATSSDSGTR